The following is an entry in ClinVar:

NM_005045.4(RELN):c.6733C>G (p.Pro2245Ala)

Gene: RELN (reelin; minus strand). Cytogenetic location: 7q22.1.
Variant type: single nucleotide variant.
Coding change: c.6733C>G on transcript NM_005045.4 (MANE Select); coding-DNA position 6733, C replaced by G.
Protein change: p.Pro2245Ala; replaces proline 2245 with alanine.
Molecular consequence: missense variant.
Genome position (GRCh38, 1-based): chr7:103,540,394, G>C on the plus strand (C>G on the coding strand, the complement: RELN is on the minus strand). VCF-style: chr7-103540394-G-C. GRCh37 (hg19) VCF-style: chr7-103180841-G-C.
Other names: c.6733C>G, p.Pro2245Ala (NM_173054.3); short protein forms P2245A.
Identifiers: ClinVar variation 2657897 (VCV002657897.24), dbSNP rs2484788545, ClinGen allele CA368770070.
Genomic context (GRCh38, chr7:103,540,394, plus strand): 5'-GGAACTCCTGAAGAAGACTCCACGAGAGGCCACCGTTGAGAGAATACTGTAGGAGCACGG[G>C]TTGACTCCTGGGGTCAGGAACGCCTTTACCACATCCCAGTCTCATGAAGAACTGCACAAA-3'
Protein context (NP_005036.2, residues 2235-2255): GKGVPDPRSQ[Pro2245Ala]VLLQYSLNGG

ClinVar aggregate classification (germline): Uncertain significance (1 of 4 stars; one submission).

Submission:

CeGaT Center for Human Genetics Tuebingen
Classification: Uncertain significance. Last evaluated: 2023-02-01. Review status: criteria provided, single submitter. Criteria: CeGaT Center For Human Genetics Tuebingen Variant Classification Criteria Version 2. Collection method: clinical testing. Allele origin: germline. Affected: yes. Observed: 1 variant allele.
Comment: RELN: PM2